The following is an entry in ClinVar:

ClinVar aggregate classification (germline): Uncertain significance (1 of 4 stars; one submission).

Conditions:
Neurodevelopmental disorder with eye movement abnormalities and ataxia. Identifiers: MedGen C5774241, MONDO:0859305, OMIM 620094.

Submission:

Victorian Clinical Genetics Services, Murdoch Childrens Research Institute
Classification: Uncertain significance for Neurodevelopmental disorder with eye movement abnormalities and ataxia. Last evaluated: 2023-07-17. Review status: criteria provided, single submitter. Criteria: ACMG Guidelines, 2015. Collection method: clinical testing. Allele origin: germline. Inheritance: Autosomal dominant inheritance. Affected: yes.
Comment: Based on the classification scheme VCGS_Germline_v1.3.4, this variant is classified as VUS-3B. Following criteria are met: 0105 - The mechanism of disease for this gene is not clearly established. However, dominant negative is a suggested mechanism based on functional assays using a Drosophila model (PMID: 36206744). (I) 0107 - This gene is associated with autosomal dominant disease. (I) 0205 - Variant is predicted to result in a truncated protein (premature termination codon is NOT located at least 54 nucleotides upstream of the final exon-exon junction) with less than 1/3 of the protein sequence affected. (SP) 0251 - This variant is heterozygous. (I) 0301 - Variant is absent from gnomAD (both v2 and v3). (SP) 0604 - Variant is not located in an established domain, motif, hotspot or informative constraint region. (I) 0807 - This variant has no previous evidence of pathogenicity. (I) 0905 - No published segregation evidence has been identified for this variant. (I) 1007 - No published functional evidence has been identified for this variant. (I) 1208 - Inheritance information for this variant is not currently available in this individual. (I) Legend: (SP) - Supporting pathogenic, (I) - Information, (SB) - Supporting benign

Literature cited by the submitters: PubMed 36206744.

NM_032892.5(FRMD5):c.1301_1302del (p.Pro434fs)

Gene: FRMD5 (FERM domain containing 5; minus strand). Cytogenetic location: 15q15.3.
Variant type: Deletion.
Coding change: c.1301_1302del on transcript NM_032892.5 (MANE Select); coding-DNA positions 1301 to 1302, 2 bases deleted (CT; older notation c.1301_1302delCT).
Protein change: p.Pro434fs; shifts the reading frame from proline 434.
Molecular consequence: frameshift variant. On other transcripts: non-coding transcript variant (1).
Genome position (GRCh38, 1-based): chr15:43,874,296-43,874,297, AG deleted on the plus strand (CT on the coding strand, the reverse complement: FRMD5 is on the minus strand). VCF-style (leftmost placement, unchanged base first): chr15-43874295-CAG-C. GRCh37 (hg19) VCF-style: chr15-44166493-CAG-C.
Other names: c.1019_1020del, p.Pro340fs (NM_001286490.2); c.599_600del, p.Pro200fs (NM_001286491.2); c.1301_1302del, p.Pro434fs (NM_001322949.2, NM_001322950.2, NM_001411124.1); c.1196_1197del, p.Pro399fs (NM_001322951.2); short protein forms P200fs, P340fs, P399fs, P434fs.
Identifiers: ClinVar variation 3255181 (VCV003255181.1), dbSNP rs2508228499.
Genomic context (GRCh38, chr15:43,874,295, plus strand): 5'-TGCAGGTGGCTCCATTGATCTGCCGGGAAAGCAACATCAGCTCCAGGCTGTGCTCAGCCA[CAG>C]GGGTGGGCAGCACGCTGTCTGCAGGGCTGTAGGCCTCGTCTGCAATCACAGCTACTCGCT-3'